The following is an entry in ClinVar:

NM_006466.4(POLR3F):c.718A>G (p.Asn240Asp)

Gene: POLR3F (RNA polymerase III subunit F; plus strand). Cytogenetic location: 20p11.23.
Variant type: single nucleotide variant.
Coding change: c.718A>G on transcript NM_006466.4 (MANE Select); coding-DNA position 718, A replaced by G.
Protein change: p.Asn240Asp; replaces asparagine 240 with aspartic acid.
Molecular consequence: missense variant. On other transcripts: non-coding transcript variant (1).
Genome position (GRCh38, 1-based): chr20:18,481,655, A>G. VCF-style: chr20-18481655-A-G. GRCh37 (hg19) VCF-style: chr20-18462299-A-G.
Other names: c.595A>G, p.Asn199Asp (NM_001282526.2); c.574A>G, p.Asn192Asp (NM_001410821.1); short protein forms N240D, N192D, N199D.
Identifiers: ClinVar variation 4705176 (VCV004705176.1).
Genomic context (GRCh38, chr20:18,481,655, plus strand): 5'-CTTTCTGATGTATCCCTTTTTTAGGTAGAGTTATCCATGGAAGACATTGAAACCATCCTG[A>G]ATACACTCATTTATGATGGAAAAGTGGAGATGACGATTATTGCTGCAAAAGAAGGCACAG-3'
Protein context (NP_006457.2, residues 230-250): LSMEDIETIL[Asn240Asp]TLIYDGKVEM

ClinVar aggregate classification (germline): Uncertain significance (1 of 4 stars; one submission).

gnomAD v4.1: 2 of 1,612,910 alleles (0.00012%); highest among the groups gnomAD compares: Non-Finnish European, 0.00017%; no homozygotes.

Submission:

Labcorp Genetics (formerly Invitae), Labcorp
Classification: Uncertain significance. Last evaluated: 2026-01-11. Review status: criteria provided, single submitter. Criteria: Invitae Variant Classification Sherloc (09022015). Collection method: clinical testing. Allele origin: germline.
Comment: This sequence change replaces asparagine, which is neutral and polar, with aspartic acid, which is acidic and polar, at codon 199 of the POLR3F protein (p.Asn199Asp). This variant is present in population databases (no rsID available, gnomAD 0.0009%). This variant has not been reported in the literature in individuals affected with POLR3F-related conditions. Experimental studies and prediction algorithms are not available or were not evaluated, and the functional significance of this variant is currently unknown. In summary, the available evidence is currently insufficient to determine the role of this variant in disease. Therefore, it has been classified as a Variant of Uncertain Significance.